The following is an entry in ClinVar:

NM_016111.4(TELO2):c.362C>T (p.Ala121Val)

Gene: TELO2 (telomere maintenance 2; plus strand). Cytogenetic location: 16p13.3.
Variant type: single nucleotide variant.
Coding change: c.362C>T on transcript NM_016111.4 (MANE Select); coding-DNA position 362, C replaced by T.
Protein change: p.Ala121Val; replaces alanine 121 with valine.
Molecular consequence: missense variant.
Genome position (GRCh38, 1-based): chr16:1,495,372, C>T. VCF-style: chr16-1495372-C-T. GRCh37 (hg19) VCF-style: chr16-1545373-C-T.
Other names: c.362C>T, p.Ala121Val (NM_001351846.2); short protein forms A121V.
Identifiers: ClinVar variation 4854176 (VCV004854176.1).
Genomic context (GRCh38, chr16:1,495,372, plus strand): 5'-TTGGCGGCTCTGCCCAACACGCCCGTATCTTCAGCCCCAGCTTCCGGCTGATGAAGATGG[C>T]GCGGCTGCTGGCCAGATTCCTGCGCGAGGGCCGGCTGGCAGTGCTGATGGAGGCGCAGTG-3'
Protein context (NP_057195.2, residues 111-131): AGPSFRLMKM[Ala121Val]RLLARFLREG

ClinVar aggregate classification (germline): Uncertain significance (1 of 4 stars; one submission).

Conditions:
TELO2-related intellectual disability-neurodevelopmental disorder. Also called: You-Hoover-Fong syndrome. Identifiers: Orphanet 488642, MedGen C4310778, MONDO:0014848, OMIM 616954.

gnomAD v4.1: 12 of 1,559,412 alleles (0.00077%); highest among the groups gnomAD compares: African/African-American, 0.0041%; no homozygotes.

Submission:

3billion
Classification: Uncertain significance for TELO2-related intellectual disability-neurodevelopmental disorder. Last evaluated: 2026-01-29. Review status: criteria provided, single submitter. Criteria: ACMG Guidelines, 2015. Collection method: clinical testing. Allele origin: germline. Affected: yes.
Comment: The variant is observed at an extremely low frequency in the gnomAD v4.1.0 dataset (total allele frequency: <0.001%). Predicted Consequence/Location: Missense variant Damaging effect on gene or gene product predicted by in silico programs is uncertain [3Cnet: 0.37 (damaging >0.75, benign <0.1)]. Therefore, this variant is classified as VUS according to the recommendation of ACMG/AMP guideline.